The following is an entry in ClinVar:

ClinVar aggregate classification (germline): Uncertain significance (1 of 4 stars; one submission).

Submission:

Labcorp Genetics (formerly Invitae), Labcorp
Classification: Uncertain significance. Last evaluated: 2022-03-19. Review status: criteria provided, single submitter. Criteria: Invitae Variant Classification Sherloc (09022015). Collection method: clinical testing. Allele origin: germline.
Comment: In summary, the available evidence is currently insufficient to determine the role of this variant in disease. Therefore, it has been classified as a Variant of Uncertain Significance. Algorithms developed to predict the effect of missense changes on protein structure and function (SIFT, PolyPhen-2, Align-GVGD) all suggest that this variant is likely to be tolerated. This variant has not been reported in the literature in individuals affected with TMEM38B-related conditions. This variant is not present in population databases (gnomAD no frequency). This sequence change replaces alanine, which is neutral and non-polar, with glycine, which is neutral and non-polar, at codon 183 of the TMEM38B protein (p.Ala183Gly).

NM_018112.3(TMEM38B):c.548C>G (p.Ala183Gly)

Gene: TMEM38B (transmembrane protein 38B; plus strand). Cytogenetic location: 9q31.2.
Variant type: single nucleotide variant.
Coding change: c.548C>G on transcript NM_018112.3 (MANE Select); coding-DNA position 548, C replaced by G.
Protein change: p.Ala183Gly; replaces alanine 183 with glycine.
Molecular consequence: missense variant.
Genome position (GRCh38, 1-based): chr9:105,748,078, C>G. VCF-style: chr9-105748078-C-G. GRCh37 (hg19) VCF-style: chr9-108510359-C-G.
Other names: short protein forms A183G.
Identifiers: ClinVar variation 2114114 (VCV002114114.4), dbSNP rs2133618440, ClinGen allele CA374380956.